The following is an entry in ClinVar:

ClinVar aggregate classification (germline): Uncertain significance (1 of 4 stars; one submission).

Conditions:
Neuronal ceroid lipofuscinosis 1 (CLN1). Also called: PPT1-Related Neuronal Ceroid-Lipofuscinosis; CEROID LIPOFUSCINOSIS, NEURONAL, 1, VARIABLE AGE AT ONSET. Identifiers: Orphanet 228329, MedGen C1850451, MONDO:0009744, OMIM 256730.

Submission:

Labcorp Genetics (formerly Invitae), Labcorp
Classification: Uncertain significance for Neuronal ceroid lipofuscinosis 1. Last evaluated: 2022-02-09. Review status: criteria provided, single submitter. Criteria: Invitae Variant Classification Sherloc (09022015). Collection method: clinical testing. Allele origin: germline.
Comment: This sequence change replaces glycine, which is neutral and non-polar, with alanine, which is neutral and non-polar, at codon 52 of the PPT1 protein (p.Gly52Ala). This variant is not present in population databases (gnomAD no frequency). This variant has not been reported in the literature in individuals affected with PPT1-related conditions. Advanced modeling of protein sequence and biophysical properties (such as structural, functional, and spatial information, amino acid conservation, physicochemical variation, residue mobility, and thermodynamic stability) performed at Invitae indicates that this missense variant is expected to disrupt PPT1 protein function. In summary, the available evidence is currently insufficient to determine the role of this variant in disease. Therefore, it has been classified as a Variant of Uncertain Significance.

NM_000310.4(PPT1):c.155G>C (p.Gly52Ala)

Gene: PPT1 (palmitoyl-protein thioesterase 1; minus strand). Cytogenetic location: 1p34.2.
Variant type: single nucleotide variant.
Coding change: c.155G>C on transcript NM_000310.4 (MANE Select); coding-DNA position 155, G replaced by C.
Protein change: p.Gly52Ala; replaces glycine 52 with alanine.
Molecular consequence: missense variant. On other transcripts: intron variant (1).
Genome position (GRCh38, 1-based): chr1:40,092,477, C>G on the plus strand (G>C on the coding strand, the complement: PPT1 is on the minus strand). VCF-style: chr1-40092477-C-G. GRCh37 (hg19) VCF-style: chr1-40558149-C-G.
Other names: c.155G>C, p.Gly52Ala (NM_001363695.2); c.125-2965G>C (NM_001142604.2); short protein forms G52A.
Identifiers: ClinVar variation 1470203 (VCV001470203.5), dbSNP rs1225799280, ClinGen allele CA339850038.